The following is an entry in ClinVar:

ClinVar aggregate classification (germline): Uncertain significance (1 of 4 stars; one submission).

Conditions:
Kleefstra syndrome 1 (KLEFS1). Identifiers: Orphanet 261494, MedGen C0795833, MONDO:0027407, OMIM 610253.

Submission:

Labcorp Genetics (formerly Invitae), Labcorp
Classification: Uncertain significance for Kleefstra syndrome 1. Last evaluated: 2023-12-12. Review status: criteria provided, single submitter. Criteria: Invitae Variant Classification Sherloc (09022015). Collection method: clinical testing. Allele origin: germline.
Comment: This sequence change replaces glutamine, which is neutral and polar, with leucine, which is neutral and non-polar, at codon 74 of the EHMT1 protein (p.Gln74Leu). This variant is not present in population databases (gnomAD no frequency). This variant has not been reported in the literature in individuals affected with EHMT1-related conditions. An algorithm developed to predict the effect of missense changes on protein structure and function (PolyPhen-2) suggests that this variant is likely to be tolerated. In summary, the available evidence is currently insufficient to determine the role of this variant in disease. Therefore, it has been classified as a Variant of Uncertain Significance.

NM_024757.5(EHMT1):c.221A>T (p.Gln74Leu)

Gene: EHMT1 (euchromatic histone lysine methyltransferase 1; plus strand). Cytogenetic location: 9q34.3.
Variant type: single nucleotide variant.
Coding change: c.221A>T on transcript NM_024757.5 (MANE Select); coding-DNA position 221, A replaced by T.
Protein change: p.Gln74Leu; replaces glutamine 74 with leucine.
Molecular consequence: missense variant.
Genome position (GRCh38, 1-based): chr9:137,716,761, A>T. VCF-style: chr9-137716761-A-T. GRCh37 (hg19) VCF-style: chr9-140611213-A-T.
Other names: c.221A>T, p.Gln74Leu (NM_001145527.2, NM_001354263.2, NM_001354611.2); c.128A>T, p.Gln43Leu (NM_001354259.2, NM_001354612.2); short protein forms Q43L, Q74L.
Identifiers: ClinVar variation 2702460 (VCV002702460.3), dbSNP rs2541029672, ClinGen allele CA375763350.